The following is an entry in ClinVar:

NM_002230.4(JUP):c.934C>T (p.Pro312Ser)

Gene: JUP (junction plakoglobin; minus strand). Cytogenetic location: 17q21.2.
Variant type: single nucleotide variant.
Coding change: c.934C>T on transcript NM_002230.4 (MANE Select); coding-DNA position 934, C replaced by T.
Protein change: p.Pro312Ser; replaces proline 312 with serine.
Molecular consequence: missense variant.
Genome position (GRCh38, 1-based): chr17:41,765,043, G>A on the plus strand (C>T on the coding strand, the complement: JUP is on the minus strand). VCF-style: chr17-41765043-G-A. GRCh37 (hg19) VCF-style: chr17-39921295-G-A.
Other names: c.934C>T, p.Pro312Ser (NM_001352773.2, NM_001352774.2, NM_001352775.2 and 3 more transcripts); short protein forms P312S.
Identifiers: ClinVar variation 3222016 (VCV003222016.1), dbSNP rs1555603459, ClinGen allele CA399499583.
Genomic context (GRCh38, chr17:41,765,043, plus strand): 5'-TGGTGGTCCAGAGCAGCTTTTCATAACTGTAGTTACGCATGATCTGCACGAGGGCCTGGG[G>A]CCCACCATTGGCCAGGATGATCAGCTATGGGTAAAGAGGGAATGAGTGTGAGATGGACGG-3'
Protein context (NP_002221.1, residues 302-322): SKLIILANGG[Pro312Ser]QALVQIMRNY

ClinVar aggregate classification (germline): Uncertain significance (1 of 4 stars; one submission).

Conditions:
Cardiovascular phenotype. Identifiers: MedGen CN230736.

gnomAD v4.1: 1 of 1,614,118 alleles (0.000062%); highest among the groups gnomAD compares: Non-Finnish European, 0.000085%; no homozygotes.

Submission:

Ambry Genetics
Classification: Uncertain significance for Cardiovascular phenotype. Last evaluated: 2024-01-01. Review status: criteria provided, single submitter. Criteria: Ambry Variant Classification Scheme 2023. Collection method: clinical testing. Allele origin: germline.
Comment: The p.P312S variant (also known as c.934C>T), located in coding exon 5 of the JUP gene, results from a C to T substitution at nucleotide position 934. The proline at codon 312 is replaced by serine, an amino acid with similar properties. This amino acid position is conserved. In addition, the in silico prediction for this alteration is inconclusive. Since supporting evidence is limited at this time, the clinical significance of this alteration remains unclear.